The following is an entry in ClinVar:

NM_020822.3(KCNT1):c.2479T>A (p.Ser827Thr)

Gene: KCNT1 (potassium sodium-activated channel subfamily T member 1; plus strand). Cytogenetic location: 9q34.3.
Variant type: single nucleotide variant.
Coding change: c.2479T>A on transcript NM_020822.3 (MANE Select); coding-DNA position 2479, T replaced by A.
Protein change: p.Ser827Thr; replaces serine 827 with threonine.
Molecular consequence: missense variant.
Genome position (GRCh38, 1-based): chr9:135,777,467, T>A. VCF-style: chr9-135777467-T-A. GRCh37 (hg19) VCF-style: chr9-138669313-T-A.
Other names: c.2344T>A, p.Ser782Thr (NM_001272003.2); short protein forms S782T, S827T.
Identifiers: ClinVar variation 2938171 (VCV002938171.3), dbSNP rs2491024685, ClinGen allele CA375513596.
Genomic context (GRCh38, chr9:135,777,467, plus strand): 5'-GCAGAGACGGCCGGCAATGGGCTGTACAACTTCATCGTGCCACTGCGGGCCTACTACAGA[T>A]CCCGCAAGGAGCTGAACCCCATCGTGCTGCTGCTGGACAACAAGTGAGGCTCCTGGGGCT-3'
Protein context (NP_065873.2, residues 817-837): FIVPLRAYYR[Ser827Thr]RKELNPIVLL

ClinVar aggregate classification (germline): Uncertain significance (1 of 4 stars; one submission).

Conditions:
Autosomal dominant nocturnal frontal lobe epilepsy 5. Also called: Epilepsy, nocturnal frontal lobe, 5; CILIARY DYSKINESIA, PRIMARY, 28, WITHOUT SITUS INVERSUS; CILIARY DYSKINESIA, PRIMARY, 28, WITH SITUS INVERSUS; KCNT1-Related Epilepsy. Identifiers: Orphanet 98784, MedGen C3554306, MONDO:0014002, OMIM 615005.
Developmental and epileptic encephalopathy, 14 (DEE14). Also called: Early infantile epileptic encephalopathy 14. Identifiers: Orphanet 293181, MedGen C3554195, MONDO:0013989, OMIM 614959.

Submission:

Labcorp Genetics (formerly Invitae), Labcorp
Classification: Uncertain significance for Autosomal dominant nocturnal frontal lobe epilepsy 5; Developmental and epileptic encephalopathy, 14. Last evaluated: 2024-05-15. Review status: criteria provided, single submitter. Criteria: Invitae Variant Classification Sherloc (09022015). Collection method: clinical testing. Allele origin: germline.
Comment: This sequence change replaces serine, which is neutral and polar, with threonine, which is neutral and polar, at codon 827 of the KCNT1 protein (p.Ser827Thr). This variant is not present in population databases (gnomAD no frequency). This variant has not been reported in the literature in individuals affected with KCNT1-related conditions. Advanced modeling of protein sequence and biophysical properties (such as structural, functional, and spatial information, amino acid conservation, physicochemical variation, residue mobility, and thermodynamic stability) performed at Invitae indicates that this missense variant is not expected to disrupt KCNT1 protein function with a negative predictive value of 80%. In summary, the available evidence is currently insufficient to determine the role of this variant in disease. Therefore, it has been classified as a Variant of Uncertain Significance.